The following is an entry in ClinVar:

NM_001365999.1(SZT2):c.8165T>C (p.Phe2722Ser)

Gene: SZT2 (SZT2 subunit of KICSTOR complex; plus strand). Cytogenetic location: 1p34.2.
Variant type: single nucleotide variant.
Coding change: c.8165T>C on transcript NM_001365999.1 (MANE Select); coding-DNA position 8165, T replaced by C.
Protein change: p.Phe2722Ser; replaces phenylalanine 2722 with serine.
Molecular consequence: missense variant.
Genome position (GRCh38, 1-based): chr1:43,442,832, T>C. VCF-style: chr1-43442832-T-C. GRCh37 (hg19) VCF-style: chr1-43908503-T-C.
Other names: p.Phe2665Ser; c.7994T>C, p.Phe2665Ser (NM_015284.4); short protein forms F2665S, F2722S.
Identifiers: ClinVar variation 3379609 (VCV003379609.1).

ClinVar aggregate classification (germline): Uncertain significance (1 of 4 stars; one submission).

gnomAD v4.1: 100 of 1,604,582 alleles (0.0062%); highest among the groups gnomAD compares: Non-Finnish European, 0.0081%; no homozygotes.

Submission:

Mayo Clinic Laboratories, Mayo Clinic
Classification: Uncertain significance. Last evaluated: 2024-02-20. Review status: criteria provided, single submitter. Criteria: ACMG Guidelines, 2015. Collection method: clinical testing. Allele origin: germline. Observed: 1 variant allele.
Comment: PP2, PM2_moderate